The following is an entry in ClinVar:

ClinVar aggregate classification (germline): VUS-high (1 of 4 stars; one submission).

Conditions:
Bethlem myopathy 1A. Also called: MYOPATHY, BENIGN CONGENITAL, WITH CONTRACTURES; Bethlem myopathy 1; Bethlem Muscular Dystrophy. Identifiers: Orphanet 610, MedGen CN029274, MONDO:0024530, OMIM 158810.

Submission:

Center for Human Genetics and Genomic Medicine, Uniklinik Rwth Aachen
Classification: VUS-high for Bethlem myopathy 1A. Last evaluated: 2026-07-27. Review status: criteria provided, single submitter. Criteria: ACMG Guidelines, 2015. Collection method: clinical testing. Allele origin: maternal. Inheritance: Autosomal recessive inheritance. Affected: yes. Observed: 1 variant allele, 1 heterozygote.
Comment: The variant is absent from large population studies (PM2_sup). Bioinformatic prediction tools predict high splicing scores and indicate aberrant splicing (PP3_mod). The variant was detected in trans of a pathogenic variant in COL6A3 (PM3).

NM_004369.4(COL6A3):c.7765+5G>C

Gene: COL6A3 (collagen type VI alpha 3 chain; minus strand). Cytogenetic location: 2q37.3.
Variant type: single nucleotide variant.
Coding change: c.7765+5G>C on transcript NM_004369.4 (MANE Select); 5 bases into the intron after coding-DNA position 7765, G replaced by C.
Molecular consequence: intron variant.
Genome position (GRCh38, 1-based): chr2:237,342,060, C>G on the plus strand (G>C on the coding strand, the complement: COL6A3 is on the minus strand). VCF-style: chr2-237342060-C-G. GRCh37 (hg19) VCF-style: chr2-238250703-C-G.
Other names: c.5944+5G>C (NM_057166.5); c.7147+5G>C (NM_057167.4).
Identifiers: ClinVar variation 4886967 (VCV004886967.1).